The following is an entry in ClinVar:

ClinVar aggregate classification (germline): Pathogenic. Review status: criteria provided, multiple submitters, no conflicts (2 of 4 stars). 2 submissions from 2 submitters: Pathogenic (2). Last evaluated 2020-11-06.

Conditions:
Hereditary cancer-predisposing syndrome. Also called: Neoplastic Syndromes, Hereditary; Hereditary Cancer Syndrome; Hereditary neoplastic syndrome; Tumor predisposition. Identifiers: Orphanet 140162, MedGen C0027672, MeSH D009386, MONDO:0015356.
Hereditary diffuse gastric adenocarcinoma (HDGC). Also called: DIFFUSE GASTRIC AND LOBULAR BREAST CANCER SYNDROME. Identifiers: Orphanet 26106, MedGen C1708349, MONDO:0007648, OMIM 137215.

Submissions (2):

Color Diagnostics, LLC DBA Color Health
Classification: Pathogenic for Hereditary cancer-predisposing syndrome. Last evaluated: 2020-11-06. Review status: criteria provided, single submitter. Criteria: ACMG Guidelines, 2015. Collection method: clinical testing. Allele origin: germline.
Comment: This variant changes 1 nucleotide in exon 9 of the CDH1 gene, creating a premature translation stop signal. This variant is expected to result in an absent or non-functional protein product. To our knowledge, functional studies have not been reported for this variant. This variant has been reported in an individual affected with hereditary diffuse gastric cancer (PMID: 19408054) and in an individual affected with gastric cancer and lobular breast cancer (PMID: 32489267). This variant has not been identified in the general population by the Genome Aggregation Database (gnomAD). Loss of CDH1 function is a known mechanism of disease. Based on the available evidence, this variant is classified as Pathogenic.

Labcorp Genetics (formerly Invitae), Labcorp
Classification: Pathogenic for Hereditary diffuse gastric adenocarcinoma. Last evaluated: 2020-05-20. Review status: criteria provided, single submitter. Criteria: Invitae Variant Classification Sherloc (09022015). Collection method: clinical testing. Allele origin: germline.
Comment: Algorithms developed to predict the effect of sequence changes on RNA splicing suggest that this variant may create or strengthen a splice site, but this prediction has not been confirmed by published transcriptional studies. For these reasons, this variant has been classified as Pathogenic. Loss-of-function variants in CDH1 are known to be pathogenic (PMID: 15235021, 20373070). This variant has been observed in individual(s) with CDH1-related conditions (PMID: 19408054). This variant is not present in population databases (ExAC no frequency). This sequence change creates a premature translational stop signal (p.Lys397*) in the CDH1 gene. It is expected to result in an absent or disrupted protein product.

Literature cited by the submitters: PubMed 15235021 (cited by Labcorp Genetics (formerly Invitae), Labcorp); PubMed 20373070 (cited by Labcorp Genetics (formerly Invitae), Labcorp); PubMed 19408054 (cited by Labcorp Genetics (formerly Invitae), Labcorp).

NM_004360.5(CDH1):c.1189A>T (p.Lys397Ter)

Gene: CDH1 (cadherin 1; plus strand). Cytogenetic location: 16q22.1.
Variant type: single nucleotide variant.
Coding change: c.1189A>T on transcript NM_004360.5 (MANE Select); coding-DNA position 1189, A replaced by T.
Protein change: p.Lys397Ter; replaces lysine 397 with a stop codon.
Molecular consequence: nonsense. On other transcripts: 5 prime UTR variant (2), intron variant (1).
Genome position (GRCh38, 1-based): chr16:68,813,364, A>T. VCF-style: chr16-68813364-A-T. GRCh37 (hg19) VCF-style: chr16-68847267-A-T.
Other names: c.-427A>T (NM_001317185.2); c.-631A>T (NM_001317186.2); c.1137+1101A>T (NM_001317184.2); short protein forms K397*.
Identifiers: ClinVar variation 853061 (VCV000853061.12), dbSNP rs1960892947, ClinGen allele CA396461230.